The following is an entry in ClinVar:

NM_007294.4(BRCA1):c.81-1G>A

Gene: BRCA1 (BRCA1 DNA repair associated; minus strand). Cytogenetic location: 17q21.31.
Variant type: single nucleotide variant.
Coding change: c.81-1G>A on transcript NM_007294.4 (MANE Select); the canonical splice acceptor site of the intron before coding-DNA position 81, G replaced by A.
Molecular consequence: splice acceptor variant. On other transcripts: intron variant (41).
Genome position (GRCh38, 1-based): chr17:43,115,780, C>T on the plus strand (G>A on the coding strand, the complement: BRCA1 is on the minus strand). VCF-style: chr17-43115780-C-T. GRCh37 (hg19) VCF-style: chr17-41267797-C-T.
Other names: IVS2-1G>A; c.-223-1G>A (NM_001408512.1, NM_001408510.1, NM_001407960.1 and 1 more transcripts); c.-108-1G>A (NM_001407885.1, NM_001407899.1, NM_001408507.1 and 52 more transcripts); c.-61-1G>A (NM_001408470.1, NM_001407848.1, NM_001407839.1 and 47 more transcripts); c.-177-1G>A (NM_001407746.1, NM_001408468.1, NM_001407842.1 and 13 more transcripts); c.-8+8237G>A (NM_001408461.1, NM_001407738.1, NM_001407936.1 and 23 more transcripts); c.81-1G>A (NM_001408495.1, NM_001408448.1, NM_001408421.1 and 191 more transcripts); c.80+8237G>A (NM_001408451.1); and 11 more.
Identifiers: ClinVar variation 91668 (VCV000091668.48), dbSNP rs80358018, ClinGen allele CA003904.

ClinVar aggregate classification (germline): Pathogenic. Review status: criteria provided, multiple submitters, no conflicts (2 of 4 stars). 13 submissions from 13 submitters: Pathogenic (9). 4 of the submissions do not count toward it. Last evaluated 2025-11-18.

Conditions:
Breast-ovarian cancer, familial, susceptibility to, 1 (BROVCA1). Also called: BRCA1 Hereditary Breast and Ovarian Cancer; OVARIAN CANCER, SUSCEPTIBILITY TO. Identifiers: Orphanet 145, MedGen C2676676, MONDO:0011450, OMIM 604370. Disease mechanism: loss of function.
Hereditary cancer-predisposing syndrome. Also called: Hereditary Cancer Syndrome; Neoplastic Syndromes, Hereditary; Hereditary neoplastic syndrome; Tumor predisposition. Identifiers: Orphanet 140162, MedGen C0027672, MeSH D009386, MONDO:0015356.
Hereditary breast ovarian cancer syndrome. Also called: Hereditary breast and/or ovarian cancer syndrome; Hereditary breast and ovarian cancer syndrome; Hereditary breast and ovarian cancer; Hereditary breast and ovarian cancer syndrome (HBOC); Breast and ovarian cancer; BRCA1- and BRCA2-Associated Hereditary Breast and Ovarian Cancer. Identifiers: Orphanet 145, MedGen C0677776, MeSH D061325, MONDO:0003582. Disease mechanism: loss of function.
Gastric cancer. Also called: Malignant tumor of stomach; Stomach cancer. Identifiers: MedGen C0024623, MeSH D013274, MONDO:0001056, OMIM 613659, HP:0012126.

Allele frequency attached by ClinVar (database versions not stated): gnomAD exomes below 0.00001; ExAC 0.00001.
gnomAD v4.1: 1 of 1,613,154 alleles (0.000062%); highest among the groups gnomAD compares: Non-Finnish European, 0.000085%; no homozygotes.

Submissions (14):

Labcorp Genetics (formerly Invitae), Labcorp
Classification: Pathogenic for Hereditary breast ovarian cancer syndrome. Last evaluated: 2025-11-18. Review status: criteria provided, single submitter. Criteria: Invitae Variant Classification Sherloc (09022015). Collection method: clinical testing. Allele origin: germline.
Comment: This sequence change affects an acceptor splice site in intron 2 of the BRCA1 gene. It is expected to disrupt RNA splicing. Variants that disrupt the donor or acceptor splice site typically lead to a loss of protein function (PMID: 16199547), and loss-of-function variants in BRCA1 are known to be pathogenic (PMID: 20104584). This variant is present in population databases (rs80358018, gnomAD 0.0009%). Disruption of this splice site has been observed in individual(s) with breast cancer and/or ovarian cancer (PMID: 16287141, 22711857). ClinVar contains an entry for this variant (Variation ID: 91668). Studies have shown that disruption of this splice site alters mRNA splicing and is expected to lead to the loss of protein expression (PMID: 22505045). For these reasons, this variant has been classified as Pathogenic.

Ambry Genetics
Classification: Pathogenic for Hereditary cancer-predisposing syndrome. Last evaluated: 2024-07-17. Review status: criteria provided, single submitter. Criteria: Ambry Variant Classification Scheme 2023. Collection method: clinical testing. Allele origin: germline.
Comment: The c.81-1G>A intronic pathogenic mutation results from a G to A substitution one nucleotide upstream from coding exon 2 of the BRCA1 gene. This nucleotide position is highly conserved in available vertebrate species. This mutation has been previously identified in multiple breast and/or ovarian cancer cohorts (Kroiss R et al. Hum Mutat. 2005 Dec;26(6):583-9; Alsop K et al. J Clin Oncol. 2012 Jul 20;30(21):2654-63). Of note, this alteration is also designated as IVS2-1G>A in published literature. In silico splice site analysis predicts that this alteration will weaken the native splice acceptor site and will result in the creation or strengthening of a novel splice acceptor site. RNA studies have demonstrated that this alteration results in abnormal splicing in the set of samples tested (Ambry internal data). One functional study found that this nucleotide substitution is non-functional in a high throughput genome editing haploid cell survival assay (Findlay GM et al. Nature. 2018 Oct;562(7726):217-222). This variant is considered to be rare based on population cohorts in the Genome Aggregation Database (gnomAD). Based on the supporting evidence, this variant is interpreted as a disease-causing mutation.

GeneDx
Classification: Pathogenic. Last evaluated: 2023-12-09. Review status: criteria provided, single submitter. Criteria: GeneDx Variant Classification Process June 2021. Collection method: clinical testing. Allele origin: germline. Affected: yes.
Comment: Canonical splice site variant predicted to result in a null allele in a gene for which loss-of-function is a known mechanism of disease; Published functional studies demonstrate a damaging effect: variant classified as non-functional based on a saturation genome editing (SGE) assay measuring cell survival (PMID: 30209399); Observed in individuals with a personal or family history consistent with pathogenic variants in this gene (PMID: 10644434, 22711857, 29446198); Not observed at significant frequency in large population cohorts (gnomAD); Also known as 200-1G>A; This variant is associated with the following publications: (PMID: 25525159, 10644434, 29922827, 22711857, 29446198, 30078507, 30720243, 30787465, 36123164, 36243179, 30209399)

Baylor Genetics
Classification: Pathogenic for Breast-ovarian cancer, familial, susceptibility to, 1. Last evaluated: 2023-11-16. Review status: criteria provided, single submitter. Criteria: ACMG Guidelines, 2015. Collection method: clinical testing. Allele origin: unknown.

Color Diagnostics, LLC DBA Color Health
Classification: Pathogenic for Hereditary cancer-predisposing syndrome. Last evaluated: 2022-05-09. Review status: criteria provided, single submitter. Criteria: ACMG Guidelines, 2015. Collection method: clinical testing. Allele origin: germline.
Comment: This variant causes a G to A nucleotide substitution at the -1 position of intron 2 splice acceptor site of the BRCA1 gene. This variant is also known as 200-1G>A and IVS2-1G>A in the literature. Splice site prediction tools suggest that this variant may have a significant impact on RNA splicing. A similar variant c.81-1G>C has been shown in RNA studies to impact the splicing of exon 3 that partially encodes the RING domain, which is important for BRCA1 function and is noted to have clinically relevant mutations (PMID: 22505045, 22737296, 23239986). This variant also has been reported to cause loss of BRCA1 function in haploid cell proliferation assays (PMID: 30209399, 31467430). This variant has been detected in at least three individuals and one family affected with ovarian cancer and breast cancer (PMID: 10644434, 22711857, 30287823). Three other similar variants at the -1 and -2 positions of this intron have been reported in at least 5 individuals affected with breast and ovarian cancer (PMID: 30078507, 32438681, 33461583, 33850850). This variant has not been identified in the general population by the Genome Aggregation Database (gnomAD). Loss of BRCA1 function is a known mechanism of disease. Based on the available evidence, this variant is classified as Pathogenic.

Women's Health and Genetics/Laboratory Corporation of America, LabCorp
Classification: Pathogenic for Hereditary breast ovarian cancer syndrome. Last evaluated: 2022-04-18. Review status: criteria provided, single submitter. Criteria: LabCorp Variant Classification Summary - May 2015. Collection method: clinical testing. Allele origin: germline.
Comment: Variant summary: BRCA1 c.81-1G>A is located in a canonical splice-site and is predicted to affect mRNA splicing resulting in a significantly altered protein due to either exon skipping, shortening, or inclusion of intronic material. Several computational tools predict a significant impact on normal splicing: Four predict the variant abolishes a 3' acceptor site. The variant allele was found at a frequency of 4e-06 in 250180 control chromosomes (gnomAD). c.81-1G>A has been reported in the literature in multiple individuals with personal and/or family history of breast and/or ovarian cancer (e.g. Momozawa_2018, Rebbeck_2018, Li_2018). These data indicate that the variant is very likely to be associated with disease. An in vitro study that assessed the effect of the variant in a haploid human cell line whose survival is dependent on intact BRCA1 function, and demonstrated a damaging effect for this variant (Findlay 2018). Six clinical diagnostic laboratories have submitted clinical-significance assessments for this variant to ClinVar after 2014 without evidence for independent evaluation. All laboratories classified the variant as pathogenic (n=5) / likely pathogenic (n=1). Based on the evidence outlined above, the variant was classified as pathogenic.

Quest Diagnostics Nichols Institute San Juan Capistrano
Classification: Pathogenic. Last evaluated: 2018-12-24. Review status: criteria provided, single submitter. Criteria: Quest Diagnostics criteria. Collection method: clinical testing. Allele origin: germline.
Comment: The variant disrupts a canonical splice site, and is therefore predicted to result in the loss of a functional protein. Found in at least one symptomatic patient, and found in general population data that is consistent with pathogenicity.

Consortium of Investigators of Modifiers of BRCA1/2 (CIMBA), c/o University of Cambridge
Classification: Pathogenic for Breast-ovarian cancer, familial, susceptibility to, 1. Last evaluated: 2015-10-02. Review status: criteria provided, single submitter. Criteria: CIMBA Mutation Classification guidelines May 2016. Collection method: clinical testing. Allele origin: germline.

Genesis Genomics
Classification: Pathogenic for Breast-ovarian cancer, familial, susceptibility to, 1. Review status: criteria provided, single submitter. Criteria: ACMG Guidelines, 2015. Collection method: clinical testing. Allele origin: germline. Affected: yes. Observed: 1 variant allele.

Laboratory for Genotyping Development, RIKEN
Classification: Pathogenic for Gastric cancer. Last evaluated: 2021-07-01. Review status: no assertion criteria provided. Collection method: research. Allele origin: germline. Not counted in ClinVar's aggregate classification.

BRCAlab, Lund University
Classification: Pathogenic for Breast-ovarian cancer, familial, susceptibility to, 1. Last evaluated: 2020-03-02. Review status: no assertion criteria provided. Collection method: clinical testing. Allele origin: germline. Affected: yes. Not counted in ClinVar's aggregate classification.

Sharing Clinical Reports Project (SCRP)
Classification: Pathogenic for Breast-ovarian cancer, familial 1. Last evaluated: 2010-08-12. Review status: no assertion criteria provided. Collection method: clinical testing. Allele origin: germline. Not counted in ClinVar's aggregate classification.

Breast Cancer Information Core (BIC) (BRCA1)
Classification: Pathogenic for Breast-ovarian cancer, familial 1. Last evaluated: 2004-02-20. Review status: no assertion criteria provided. Collection method: clinical testing. Allele origin: germline. Affected: yes. Observed: 2 variant alleles. Not counted in ClinVar's aggregate classification.

Brotman Baty Institute, University of Washington
No classification provided (evidence only). Condition: Breast-ovarian cancer, familial 1. Review status: no classification provided. Collection method: in vitro. Allele origin: not applicable. Functional consequence: functionally_abnormal. Not counted in ClinVar's aggregate classification.
ClinVar note: "not provided" was previously submitted as the classification for the variant. However, the classification appeared to be based only on an observation of functional data so it was converted to no classification on 2025-07-30.

Literature cited by the submitters: PubMed 16199547 (cited by Labcorp Genetics (formerly Invitae), Labcorp); PubMed 20104584 (cited by Labcorp Genetics (formerly Invitae), Labcorp); PubMed 16287141 (cited by Labcorp Genetics (formerly Invitae), Labcorp); PubMed 22711857 (cited by 3 submitters); PubMed 22505045 (cited by Labcorp Genetics (formerly Invitae), Labcorp and Color Diagnostics, LLC DBA Color Health); PubMed 30209399 (cited by 3 submitters); PubMed 10644434 (cited by Color Diagnostics, LLC DBA Color Health and Quest Diagnostics Nichols Institute San Juan Capistrano); PubMed 22737296 (cited by Color Diagnostics, LLC DBA Color Health); PubMed 23239986 (cited by Color Diagnostics, LLC DBA Color Health); PubMed 30078507 (cited by Color Diagnostics, LLC DBA Color Health and Women's Health and Genetics/Laboratory Corporation of America, LabCorp); PubMed 30287823 (cited by 3 submitters); PubMed 31467430 (cited by Color Diagnostics, LLC DBA Color Health); PubMed 32438681 (cited by Color Diagnostics, LLC DBA Color Health); PubMed 33461583 (cited by Color Diagnostics, LLC DBA Color Health); PubMed 33850850 (cited by Color Diagnostics, LLC DBA Color Health); PubMed 29446198 (cited by Women's Health and Genetics/Laboratory Corporation of America, LabCorp and Quest Diagnostics Nichols Institute San Juan Capistrano); PubMed 36988593 (cited by Laboratory for Genotyping Development, RIKEN).